The following is an entry in ClinVar:

NM_000301.5(PLG):c.1588-3C>T

Gene: PLG (plasminogen; plus strand). Cytogenetic location: 6q26.
Variant type: single nucleotide variant.
Coding change: c.1588-3C>T on transcript NM_000301.5 (MANE Select); 3 bases into the intron before coding-DNA position 1588, C replaced by T.
Molecular consequence: intron variant.
Genome position (GRCh38, 1-based): chr6:160,733,992, C>T. VCF-style: chr6-160733992-C-T. GRCh37 (hg19) VCF-style: chr6-161155024-C-T.
Identifiers: ClinVar variation 722341 (VCV000722341.11), dbSNP rs193059713, ClinGen allele CA4087840.

ClinVar aggregate classification (germline): Benign. Review status: criteria provided, single submitter (1 of 4 stars). 2 submissions from 2 submitters: Benign (1). 1 of the submissions does not count toward it. Last evaluated 2025-11-18.

Conditions:
PLG-related disorder. Also called: PLG-related condition.

Allele frequency attached by ClinVar (database versions not stated): TOPMed 0.00016; ESP Exome Variant Server 0.00023; 1000 Genomes Project 30x 0.00078; gnomAD exomes 0.00091 and 0.00202; 1000 Genomes Project 0.00100; gnomAD 0.00137 and 0.00143; ExAC 0.00166.
gnomAD v4.1: 1,510 of 1,583,448 alleles (0.095%); highest among the groups gnomAD compares: East Asian, 0.17%; 16 homozygotes.

Submissions (2):

Labcorp Genetics (formerly Invitae), Labcorp
Classification: Benign. Last evaluated: 2025-11-18. Review status: criteria provided, single submitter. Criteria: Invitae Variant Classification Sherloc (09022015). Collection method: clinical testing. Allele origin: germline.

PreventionGenetics, part of Exact Sciences
Classification: Likely benign for PLG-related condition. Last evaluated: 2019-02-26. Review status: no assertion criteria provided. Collection method: clinical testing. Allele origin: germline. Not counted in ClinVar's aggregate classification.
Comment: This variant is classified as likely benign based on ACMG/AMP sequence variant interpretation guidelines (Richards et al. 2015 PMID: 25741868, with internal and published modifications).